The following is an entry in ClinVar:

ClinVar aggregate classification (germline): Uncertain significance. Review status: criteria provided, multiple submitters, no conflicts (2 of 4 stars). 2 submissions from 2 submitters: Uncertain significance (2). Last evaluated 2025-07-21.

Allele frequency attached by ClinVar (database versions not stated): gnomAD 0.00002; gnomAD exomes 0.00003; TOPMed 0.00003; ExAC 0.00005.
gnomAD v4.1: 42 of 1,614,068 alleles (0.0026%); highest among the groups gnomAD compares: Admixed American, 0.028%; no homozygotes.

Submissions (2):

Labcorp Genetics (formerly Invitae), Labcorp
Classification: Uncertain significance. Last evaluated: 2025-07-21. Review status: criteria provided, single submitter. Criteria: Invitae Variant Classification Sherloc (09022015). Collection method: clinical testing. Allele origin: germline.
Comment: This sequence change replaces valine, which is neutral and non-polar, with isoleucine, which is neutral and non-polar, at codon 987 of the ATP2B4 protein (p.Val987Ile). This variant is present in population databases (rs767342392, gnomAD 0.04%). This variant has not been reported in the literature in individuals affected with ATP2B4-related conditions. ClinVar contains an entry for this variant (Variation ID: 2050073). Invitae Evidence Modeling of protein sequence and biophysical properties (such as structural, functional, and spatial information, amino acid conservation, physicochemical variation, residue mobility, and thermodynamic stability) indicates that this missense variant is not expected to disrupt ATP2B4 protein function with a negative predictive value of 80%. In summary, the available evidence is currently insufficient to determine the role of this variant in disease. Therefore, it has been classified as a Variant of Uncertain Significance.

Ambry Genetics
Classification: Uncertain significance. Last evaluated: 2025-03-30. Review status: criteria provided, single submitter. Criteria: Ambry Variant Classification Scheme 2023. Collection method: clinical testing. Allele origin: germline.

NM_001684.5(ATP2B4):c.2959G>A (p.Val987Ile)

Gene: ATP2B4 (ATPase plasma membrane Ca2+ transporting 4; plus strand). Cytogenetic location: 1q32.1.
Variant type: single nucleotide variant.
Coding change: c.2959G>A on transcript NM_001684.5 (MANE Select); coding-DNA position 2959, G replaced by A.
Protein change: p.Val987Ile; replaces valine 987 with isoleucine.
Molecular consequence: missense variant.
Genome position (GRCh38, 1-based): chr1:203,722,624, G>A. VCF-style: chr1-203722624-G-A. GRCh37 (hg19) VCF-style: chr1-203691752-G-A.
Other names: c.2959G>A, p.Val987Ile (NM_001001396.3, NM_001365783.2, NM_001365784.2); short protein forms V987I.
Identifiers: ClinVar variation 2050073 (VCV002050073.6), dbSNP rs767342392, ClinGen allele CA1341999.